The following is an entry in ClinVar:

ClinVar aggregate classification (germline): Likely pathogenic (1 of 4 stars; one submission).

Conditions:
Catecholaminergic polymorphic ventricular tachycardia (CVPT). Also called: Catecholamine-induced polymorphic ventricular tachycardia. Identifiers: Orphanet 3286, MedGen C5574922, MONDO:0017990.

Submission:

Labcorp Genetics (formerly Invitae), Labcorp
Classification: Likely pathogenic for Catecholaminergic polymorphic ventricular tachycardia. Last evaluated: 2019-05-10. Review status: criteria provided, single submitter. Criteria: Invitae Variant Classification Sherloc (09022015). Collection method: clinical testing. Allele origin: germline.
Comment: This sequence change replaces glycine with glutamic acid at codon 172 of the RYR2 protein (p.Gly172Glu). The glycine residue is highly conserved and there is a moderate physicochemical difference between glycine and glutamic acid. This variant is not present in population databases (ExAC no frequency). This variant has been reported to be de novo in an individual affected with cardiac arrest (Invitae). This variant occurs within one of the three regions of the RYR2 gene (N-terminal domain, central domain, or channel region) where other pathogenic variants have been reported to cluster (PMID: 19926015). Algorithms developed to predict the effect of missense changes on protein structure and function (SIFT, PolyPhen-2, Align-GVGD) all suggest that this variant is likely to be disruptive, but these predictions have not been confirmed by published functional studies and their clinical significance is uncertain. In summary, the currently available evidence indicates that the variant is pathogenic, but additional data are needed to prove that conclusively. Therefore, this variant has been classified as Likely Pathogenic.

Literature cited by the submitters: PubMed 19926015.

NM_001035.3(RYR2):c.515G>A (p.Gly172Glu)

Gene: RYR2 (ryanodine receptor 2; plus strand). Cytogenetic location: 1q43.
Variant type: single nucleotide variant.
Coding change: c.515G>A on transcript NM_001035.3 (MANE Select); coding-DNA position 515, G replaced by A.
Protein change: p.Gly172Glu; replaces glycine 172 with glutamic acid.
Molecular consequence: missense variant.
Genome position (GRCh38, 1-based): chr1:237,377,374, G>A. VCF-style: chr1-237377374-G-A. GRCh37 (hg19) VCF-style: chr1-237540674-G-A.
Other names: c.515G>A, p.Gly172Glu (LRG_402t1); short protein forms G172E.
Identifiers: ClinVar variation 463605 (VCV000463605.3), dbSNP rs1553426678, ClinGen allele CA345375574.